The following is an entry in ClinVar:

ClinVar aggregate classification (germline): Uncertain significance (1 of 4 stars; one submission).

Conditions:
Bifunctional peroxisomal enzyme deficiency (DBIF). Also called: PBFE DEFICIENCY; DBP DEFICIENCY; D-bifunctional protein deficiency. Identifiers: Orphanet 300, MedGen C0342870, MONDO:0009855, OMIM 261515. Disease mechanism: loss of function.
Perrault syndrome. Also called: Gonadal dysgenesis with auditory dysfunction, autosomal recessive inheritance. Identifiers: Orphanet 2855, MedGen C0685838, MONDO:0017312.

gnomAD v4.1: 2 of 1,609,744 alleles (0.00012%); highest among the groups gnomAD compares: Non-Finnish European, 0.00017%; no homozygotes.

Submission:

Labcorp Genetics (formerly Invitae), Labcorp
Classification: Uncertain significance for Perrault syndrome; Bifunctional peroxisomal enzyme deficiency. Last evaluated: 2022-08-09. Review status: criteria provided, single submitter. Criteria: Invitae Variant Classification Sherloc (09022015). Collection method: clinical testing. Allele origin: germline.
Comment: This sequence change replaces arginine, which is basic and polar, with serine, which is neutral and polar, at codon 64 of the HSD17B4 protein (p.Arg64Ser). This variant is not present in population databases (gnomAD no frequency). This variant has not been reported in the literature in individuals affected with HSD17B4-related conditions. ClinVar contains an entry for this variant (Variation ID: 1034763). Advanced modeling of protein sequence and biophysical properties (such as structural, functional, and spatial information, amino acid conservation, physicochemical variation, residue mobility, and thermodynamic stability) performed at Invitae indicates that this missense variant is not expected to disrupt HSD17B4 protein function. In summary, the available evidence is currently insufficient to determine the role of this variant in disease. Therefore, it has been classified as a Variant of Uncertain Significance.

NM_000414.4(HSD17B4):c.192G>C (p.Arg64Ser)

Gene: HSD17B4 (hydroxysteroid 17-beta dehydrogenase 4; plus strand). Cytogenetic location: 5q23.1.
Variant type: single nucleotide variant.
Coding change: c.192G>C on transcript NM_000414.4 (MANE Select); coding-DNA position 192, G replaced by C.
Protein change: p.Arg64Ser; replaces arginine 64 with serine.
Molecular consequence: missense variant. On other transcripts: 5 prime UTR variant (6), non-coding transcript variant (2).
Genome position (GRCh38, 1-based): chr5:119,473,987, G>C. VCF-style: chr5-119473987-G-C. GRCh37 (hg19) VCF-style: chr5-118809682-G-C.
Other names: c.267G>C, p.Arg89Ser (NM_001199291.3); c.138G>C, p.Arg46Ser (NM_001199292.2); c.120G>C, p.Arg40Ser (NM_001292027.2); c.-220G>C (NM_001292028.2, NM_001374501.1); c.192G>C, p.Arg64Ser (NM_001374497.1, NM_001374498.1); c.-89G>C (NM_001374499.1); c.-347G>C (NM_001374500.1); c.-225G>C (NM_001374502.1, NM_001374503.1); short protein forms R40S, R89S, R46S, R64S.
Identifiers: ClinVar variation 1034763 (VCV001034763.6), dbSNP rs1294462098, ClinGen allele CA360864466.